The following is an entry in ClinVar:

NM_002361.4(MAG):c.1857G>A (p.Glu619=)

Gene: MAG (myelin associated glycoprotein; plus strand). Cytogenetic location: 19q13.12.
Variant type: single nucleotide variant.
Coding change: c.1857G>A on transcript NM_002361.4 (MANE Select); coding-DNA position 1857, G replaced by A.
Protein change: p.Glu619=; no amino-acid change (glutamic acid 619 retained).
Molecular consequence: synonymous variant. On other transcripts: 3 prime UTR variant (1).
Genome position (GRCh38, 1-based): chr19:35,313,430, G>A. VCF-style: chr19-35313430-G-A. GRCh37 (hg19) VCF-style: chr19-35804333-G-A.
Other names: c.1782G>A, p.Glu594= (NM_001199216.2); c.*153G>A (NM_080600.3); c.1857G>A (NM_002361.3).
Identifiers: ClinVar variation 1624706 (VCV001624706.10), dbSNP rs200278152, ClinGen allele CA9376443.

ClinVar aggregate classification (germline): Likely benign. Review status: criteria provided, multiple submitters, no conflicts (2 of 4 stars). 3 submissions from 3 submitters: Likely benign (3). Last evaluated 2026-08-04.

Conditions:
MAG-related disorder. Also called: MAG-related condition.
Hereditary spastic paraplegia 75. Also called: Spastic paraplegia 75, autosomal recessive. Identifiers: Orphanet 459056, MedGen C4225250, MONDO:0014729, OMIM 616680.

Allele frequency attached by ClinVar (database versions not stated): gnomAD 0.00001; TOPMed 0.00004; gnomAD exomes 0.00005 and 0.00008; ExAC 0.00008.
gnomAD v4.1: 68 of 1,613,212 alleles (0.0042%); highest among the groups gnomAD compares: South Asian, 0.033%; no homozygotes.

Submissions (3):

PreventionGenetics, part of Exact Sciences
Classification: Likely benign for MAG-related condition. Last evaluated: 2026-08-04. Review status: criteria provided, single submitter. Criteria: ACMG Guidelines, 2015. Collection method: clinical testing. Allele origin: germline.
Comment: This variant is classified as likely benign based on ACMG/AMP sequence variant interpretation guidelines (Richards et al. 2015 PMID: 25741868, with internal and published modifications).

Labcorp Genetics (formerly Invitae), Labcorp
Classification: Likely benign for Hereditary spastic paraplegia 75. Last evaluated: 2024-10-23. Review status: criteria provided, single submitter. Criteria: Invitae Variant Classification Sherloc (09022015). Collection method: clinical testing. Allele origin: germline.

Breakthrough Genomics
Classification: Likely benign. Review status: criteria provided, single submitter. Criteria: ACMG Guidelines, 2015. Collection method: not provided. Allele origin: germline. Inheritance: Autosomal recessive inheritance. Affected: yes.